The following is an entry in ClinVar:

NM_000718.4(CACNA1B):c.4335C>T (p.Ser1445=)

Gene: CACNA1B (calcium voltage-gated channel subunit alpha1 B; plus strand). Cytogenetic location: 9q34.3.
Variant type: single nucleotide variant.
Coding change: c.4335C>T on transcript NM_000718.4 (MANE Select); coding-DNA position 4335, C replaced by T.
Protein change: p.Ser1445=; no amino-acid change (serine 1445 retained).
Molecular consequence: synonymous variant.
Genome position (GRCh38, 1-based): chr9:138,058,595, C>T. VCF-style: chr9-138058595-C-T. GRCh37 (hg19) VCF-style: chr9-140953047-C-T.
Other names: c.4335C>T, p.Ser1445= (NM_001243812.2).
Identifiers: ClinVar variation 2579086 (VCV002579086.27), dbSNP rs1959600398, ClinGen allele CA467889330.

ClinVar aggregate classification (germline): Likely benign. Review status: criteria provided, multiple submitters, no conflicts (2 of 4 stars). 2 submissions from 2 submitters: Likely benign (2). Last evaluated 2024-05-26.

Allele frequency attached by ClinVar (database versions not stated): gnomAD exomes below 0.00001.
gnomAD v4.1: 5 of 1,612,810 alleles (0.00031%); highest among the groups gnomAD compares: South Asian, 0.0022%; no homozygotes.

Submissions (2):

Labcorp Genetics (formerly Invitae), Labcorp
Classification: Likely benign. Last evaluated: 2024-05-26. Review status: criteria provided, single submitter. Criteria: Invitae Variant Classification Sherloc (09022015). Collection method: clinical testing. Allele origin: germline.

CeGaT Center for Human Genetics Tuebingen
Classification: Likely benign. Last evaluated: 2023-07-01. Review status: criteria provided, single submitter. Criteria: CeGaT Center For Human Genetics Tuebingen Variant Classification Criteria Version 2. Collection method: clinical testing. Allele origin: germline. Affected: yes. Observed: 1 variant allele.
Comment: CACNA1B: PM2:Supporting, BP4, BP7